The following is an entry in ClinVar:

ClinVar aggregate classification (germline): Conflicting classifications of pathogenicity. Review status: criteria provided, conflicting classifications (1 of 4 stars). 5 submissions from 5 submitters: Uncertain significance (3); Likely benign (2). Last evaluated 2025-03-11.

Conditions:
Hereditary cancer-predisposing syndrome. Also called: Hereditary Cancer Syndrome; Neoplastic Syndromes, Hereditary; Tumor predisposition; Hereditary neoplastic syndrome. Identifiers: Orphanet 140162, MedGen C0027672, MeSH D009386, MONDO:0015356.
Peutz-Jeghers syndrome (PJS). Also called: POLYPOSIS, HAMARTOMATOUS INTESTINAL; POLYPS-AND-SPOTS SYNDROME; Peutz-Jeghers polyposis; Periorificial lentiginosis syndrome. Identifiers: Orphanet 2869, MedGen C0031269, MeSH D010580, MONDO:0008280, OMIM 175200.

Allele frequency attached by ClinVar (database versions not stated): gnomAD exomes below 0.00001 and 0.00001; gnomAD 0.00001; TOPMed 0.00001; ExAC 0.00006.
gnomAD v4.1: 2 of 1,580,392 alleles (0.00013%); highest among the groups gnomAD compares: Middle Eastern, 0.017%; no homozygotes.

Submissions (5):

Labcorp Genetics (formerly Invitae), Labcorp
Classification: Likely benign for Peutz-Jeghers syndrome. Last evaluated: 2025-03-11. Review status: criteria provided, single submitter. Criteria: Invitae Variant Classification Sherloc (09022015). Collection method: clinical testing. Allele origin: germline.

Ambry Genetics
Classification: Likely benign for Hereditary cancer-predisposing syndrome. Last evaluated: 2023-05-23. Review status: criteria provided, single submitter. Criteria: Ambry Variant Classification Scheme 2023. Collection method: clinical testing. Allele origin: germline.

GeneDx
Classification: Uncertain significance. Last evaluated: 2022-06-20. Review status: criteria provided, single submitter. Criteria: GeneDx Variant Classification Process June 2021. Collection method: clinical testing. Allele origin: germline. Affected: yes.
Comment: Not observed at significant frequency in large population cohorts (gnomAD); In silico analysis supports that this missense variant does not alter protein structure/function; Has not been previously published as pathogenic or benign to our knowledge

Genome-Nilou Lab
Classification: Uncertain significance for Peutz-Jeghers syndrome. Last evaluated: 2021-07-15. Review status: criteria provided, single submitter. Criteria: ACMG Guidelines, 2015. Collection method: clinical testing. Allele origin: germline. Affected: no.

Quest Diagnostics Nichols Institute San Juan Capistrano
Classification: Uncertain significance. Last evaluated: 2019-04-09. Review status: criteria provided, single submitter. Criteria: Quest Diagnostics criteria. Collection method: clinical testing. Allele origin: germline.

NM_000455.5(STK11):c.1231C>G (p.Pro411Ala)

Gene: STK11 (serine/threonine kinase 11; plus strand). Cytogenetic location: 19p13.3.
Variant type: single nucleotide variant.
Coding change: c.1231C>G on transcript NM_000455.5 (MANE Select); coding-DNA position 1231, C replaced by G.
Protein change: p.Pro411Ala; replaces proline 411 with alanine.
Molecular consequence: missense variant.
Genome position (GRCh38, 1-based): chr19:1,226,576, C>G. VCF-style: chr19-1226576-C-G. GRCh37 (hg19) VCF-style: chr19-1226575-C-G.
Other names: short protein forms P411A.
Identifiers: ClinVar variation 187158 (VCV000187158.19), dbSNP rs772527201, ClinGen allele CA022510.
Genomic context (GRCh38, chr19:1,226,576, plus strand): 5'-TGTATGAACGGCACAGAGGCGGCGCAGCTGAGCACCAAATCCAGGGCGGAGGGCCGGGCC[C>G]CCAACCCTGCCCGCAAGGCCTGCTCCGCCAGCAGCAAGATCCGCCGGCTGTCGGCCTGCA-3'
Protein context (NP_000446.1, residues 401-421): STKSRAEGRA[Pro411Ala]NPARKACSAS